The following is an entry in ClinVar:

NM_004364.5(CEBPA):c.670C>G (p.His224Asp)

Gene: CEBPA (CCAAT enhancer binding protein alpha; minus strand). Cytogenetic location: 19q13.11.
Variant type: single nucleotide variant.
Coding change: c.670C>G on transcript NM_004364.5 (MANE Select); coding-DNA position 670, C replaced by G.
Protein change: p.His224Asp; replaces histidine 224 with aspartic acid.
Molecular consequence: missense variant.
Genome position (GRCh38, 1-based): chr19:33,301,745, G>C on the plus strand (C>G on the coding strand, the complement: CEBPA is on the minus strand). VCF-style: chr19-33301745-G-C. GRCh37 (hg19) VCF-style: chr19-33792651-G-C.
Other names: c.313C>G, p.His105Asp (NM_001285829.2); c.775C>G, p.His259Asp (NM_001287424.2); c.628C>G, p.His210Asp (NM_001287435.2); short protein forms H224D, H105D, H210D, H259D.
Identifiers: ClinVar variation 3999991 (VCV003999991.1).
Genomic context (GRCh38, chr19:33,301,745, plus strand): 5'-CGGCACCGAGCGCGGGCGCGGGGTGCGGGCTGGGCACGGGCGTGGGCGGCGGCGTGGGGT[G>C]ACCGGGCTGCAGGTGCATGGTGGTCTGGCCGCAGTGCGCGATCTGGAACTGCAGGTGCGG-3'
Protein context (NP_004355.2, residues 214-234): GQTTMHLQPG[His224Asp]PTPPPTPVPS

ClinVar aggregate classification (germline): Uncertain significance (1 of 4 stars; one submission).

Conditions:
Inborn genetic diseases. Identifiers: MedGen C0950123, MeSH D030342.

Submission:

Ambry Genetics
Classification: Uncertain significance for Inborn genetic diseases. Last evaluated: 2025-04-09. Review status: criteria provided, single submitter. Criteria: Ambry Variant Classification Scheme 2023. Collection method: clinical testing. Allele origin: germline.
Comment: The p.H224D variant (also known as c.670C>G), located in coding exon 1 of the CEBPA gene, results from a C to G substitution at nucleotide position 670. The histidine at codon 224 is replaced by aspartic acid, an amino acid with similar properties. This amino acid position is conserved. In addition, this alteration is predicted to be tolerated by in silico analysis. Based on the available evidence, the clinical significance of this variant remains unclear.